The following is an entry in ClinVar:

ClinVar aggregate classification (germline): Benign (0 of 4 stars; one submission).

Conditions:
SLC44A1-related disorder. Also called: SLC44A1-related condition.

Allele frequency attached by ClinVar (database versions not stated): 1000 Genomes Project 0.00260; ESP Exome Variant Server 0.00331; 1000 Genomes Project 30x 0.00344.
gnomAD v4.1: 913 of 1,613,284 alleles (0.057%); highest among the groups gnomAD compares: African/African-American, 1%; 6 homozygotes.

Submission:

PreventionGenetics, part of Exact Sciences
Classification: Benign for SLC44A1-related condition. Last evaluated: 2019-04-11. Review status: no assertion criteria provided. Collection method: clinical testing. Allele origin: germline.
Comment: This variant is classified as benign based on ACMG/AMP sequence variant interpretation guidelines (Richards et al. 2015 PMID: 25741868, with internal and published modifications).

NM_080546.5(SLC44A1):c.954C>A (p.Ile318=)

Gene: SLC44A1 (solute carrier family 44 member 1; plus strand). Cytogenetic location: 9q31.1.
Variant type: single nucleotide variant.
Coding change: c.954C>A on transcript NM_080546.5 (MANE Select); coding-DNA position 954, C replaced by A.
Protein change: p.Ile318=; no amino-acid change (isoleucine 318 retained).
Molecular consequence: synonymous variant.
Genome position (GRCh38, 1-based): chr9:105,362,874, C>A. VCF-style: chr9-105362874-C-A. GRCh37 (hg19) VCF-style: chr9-108125155-C-A.
Other names: c.954C>A, p.Ile318= (NM_001286730.2, NM_001330731.2).
Identifiers: ClinVar variation 3043289 (VCV003043289.2), dbSNP rs139580101, ClinGen allele CA5169825.